The following is an entry in ClinVar:

ClinVar aggregate classification (germline): Conflicting classifications of pathogenicity. Review status: criteria provided, conflicting classifications (1 of 4 stars). 5 submissions from 5 submitters: Uncertain significance (3); Likely benign (2). Last evaluated 2025-06-22.

Conditions:
Hereditary cancer-predisposing syndrome. Also called: Tumor predisposition; Hereditary Cancer Syndrome; Hereditary neoplastic syndrome; Neoplastic Syndromes, Hereditary. Identifiers: Orphanet 140162, MedGen C0027672, MeSH D009386, MONDO:0015356.
Hereditary breast ovarian cancer syndrome. Also called: Breast and ovarian cancer; Hereditary breast and/or ovarian cancer syndrome; BRCA1- and BRCA2-Associated Hereditary Breast and Ovarian Cancer; Hereditary breast and ovarian cancer syndrome; Hereditary breast and ovarian cancer syndrome (HBOC); Hereditary breast and ovarian cancer. Identifiers: Orphanet 145, MedGen C0677776, MeSH D061325, MONDO:0003582. Disease mechanism: loss of function.
Breast-ovarian cancer, familial, susceptibility to, 1 (BROVCA1). Also called: BRCA1 Hereditary Breast and Ovarian Cancer; OVARIAN CANCER, SUSCEPTIBILITY TO. Identifiers: Orphanet 145, MedGen C2676676, MONDO:0011450, OMIM 604370. Disease mechanism: loss of function.

Submissions (5):

Ambry Genetics
Classification: Uncertain significance for Hereditary cancer-predisposing syndrome. Last evaluated: 2025-06-22. Review status: criteria provided, single submitter. Criteria: Ambry Variant Classification Scheme 2023. Collection method: clinical testing. Allele origin: germline.
Comment: The p.V863I variant (also known as c.2587G>A), located in coding exon 9 of the BRCA1 gene, results from a G to A substitution at nucleotide position 2587. The valine at codon 863 is replaced by isoleucine, an amino acid with highly similar properties. This amino acid position is not well conserved in available vertebrate species. In addition, this alteration is predicted to be tolerated by in silico analysis. Since supporting evidence is limited at this time, the clinical significance of this alteration remains unclear.

Myriad Genetics, Inc.
Classification: Likely benign for Breast-ovarian cancer, familial, susceptibility to, 1. Last evaluated: 2024-04-25. Review status: criteria provided, single submitter. Criteria: Myriad Autosomal Dominant, Autosomal Recessive and X-Linked Classification Criteria (2023). Collection method: clinical testing. Allele origin: unknown.
Comment: This variant is considered likely benign. This variant is strongly associated with less severe personal and family histories of cancer, typical for individuals without pathogenic variants in this gene [PMID: 25085752].

University of Washington Department of Laboratory Medicine, University of Washington
Classification: Likely benign for Hereditary cancer-predisposing syndrome. Last evaluated: 2023-03-23. Review status: criteria provided, single submitter. Criteria: Dines et al. (Genet Med. 2020). Collection method: curation. Allele origin: germline.
Comment: Missense variant in a coldspot region where missense variants are very unlikely to be pathogenic (PMID:31911673).

BRCA1 coldspot (exon 11 using historical exon numbering). Reclassification based on statistical prior probability

Labcorp Genetics (formerly Invitae), Labcorp
Classification: Uncertain significance for Hereditary breast ovarian cancer syndrome. Last evaluated: 2023-01-11. Review status: criteria provided, single submitter. Criteria: Invitae Variant Classification Sherloc (09022015). Collection method: clinical testing. Allele origin: germline.
Comment: In summary, the available evidence is currently insufficient to determine the role of this variant in disease. Therefore, it has been classified as a Variant of Uncertain Significance. Advanced modeling of protein sequence and biophysical properties (such as structural, functional, and spatial information, amino acid conservation, physicochemical variation, residue mobility, and thermodynamic stability) performed at Invitae indicates that this missense variant is not expected to disrupt BRCA1 protein function. ClinVar contains an entry for this variant (Variation ID: 481465). This variant has not been reported in the literature in individuals affected with BRCA1-related conditions. This variant is not present in population databases (gnomAD no frequency). This sequence change replaces valine, which is neutral and non-polar, with isoleucine, which is neutral and non-polar, at codon 863 of the BRCA1 protein (p.Val863Ile).

Quest Diagnostics Nichols Institute San Juan Capistrano
Classification: Uncertain significance. Last evaluated: 2018-06-20. Review status: criteria provided, single submitter. Criteria: Quest Diagnostics criteria. Collection method: clinical testing. Allele origin: germline.

Literature cited by the submitters: PubMed 25085752 (cited by Myriad Genetics, Inc.).

NM_007294.4(BRCA1):c.2587G>A (p.Val863Ile)

Gene: BRCA1 (BRCA1 DNA repair associated; minus strand). Cytogenetic location: 17q21.31.
Variant type: single nucleotide variant.
Coding change: c.2587G>A on transcript NM_007294.4 (MANE Select); coding-DNA position 2587, G replaced by A.
Protein change: p.Val863Ile; replaces valine 863 with isoleucine.
Molecular consequence: missense variant. On other transcripts: intron variant (137).
Genome position (GRCh38, 1-based): chr17:43,092,944, C>T on the plus strand (G>A on the coding strand, the complement: BRCA1 is on the minus strand). VCF-style: chr17-43092944-C-T. GRCh37 (hg19) VCF-style: chr17-41244961-C-T.
Other names: c.2374G>A, p.Val792Ile (NM_001407571.1, NM_001407898.1, NM_001407899.1 and 9 more transcripts); c.2587G>A, p.Val863Ile (NM_001407581.1, NM_001407582.1, NM_001407583.1 and 30 more transcripts); c.2584G>A, p.Val862Ile (NM_001407610.1, NM_001407611.1, NM_001407612.1 and 22 more transcripts); c.2578G>A, p.Val860Ile (NM_001407647.1, NM_001407646.1); c.2464G>A, p.Val822Ile (NM_001407648.1, NM_001407668.1, NM_001407669.1 and 19 more transcripts); c.2461G>A, p.Val821Ile (NM_001407649.1, NM_001407670.1, NM_001407671.1 and 11 more transcripts); c.2509G>A, p.Val837Ile (NM_001407653.1, NM_001407654.1, NM_001407655.1 and 4 more transcripts); c.2446G>A, p.Val816Ile (NM_001407692.1, NM_001407694.1, NM_001407695.1 and 29 more transcripts); and 41 more; short protein forms V863I, V816I, V775I, V822I, V567I, V695I, V774I, V793I.
Identifiers: ClinVar variation 481465 (VCV000481465.21), dbSNP rs1555589325, ClinGen allele CA10596816.